The following is an entry in ClinVar:

ClinVar aggregate classification (germline): Uncertain significance (1 of 4 stars; one submission).

Conditions:
Epileptic encephalopathy. Identifiers: MedGen C0543888, HP:0200134.

gnomAD v4.1: 2 of 1,613,968 alleles (0.00012%); highest among the groups gnomAD compares: South Asian, 0.0011%; no homozygotes.

Submission:

Labcorp Genetics (formerly Invitae), Labcorp
Classification: Uncertain significance for Epileptic encephalopathy. Last evaluated: 2022-01-15. Review status: criteria provided, single submitter. Criteria: Invitae Variant Classification Sherloc (09022015). Collection method: clinical testing. Allele origin: germline.
Comment: In summary, the available evidence is currently insufficient to determine the role of this variant in disease. Therefore, it has been classified as a Variant of Uncertain Significance. Algorithms developed to predict the effect of sequence changes on RNA splicing suggest that this variant may create or strengthen a splice site. Algorithms developed to predict the effect of missense changes on protein structure and function are either unavailable or do not agree on the potential impact of this missense change (SIFT: "Deleterious"; PolyPhen-2: "Possibly Damaging"; Align-GVGD: "Class C15"). ClinVar contains an entry for this variant (Variation ID: 960934). This variant has not been reported in the literature in individuals affected with RYR3-related conditions. This variant is not present in population databases (gnomAD no frequency). This sequence change replaces leucine, which is neutral and non-polar, with valine, which is neutral and non-polar, at codon 2541 of the RYR3 protein (p.Leu2541Val).

NM_001036.6(RYR3):c.7621C>G (p.Leu2541Val)

Gene: RYR3 (ryanodine receptor 3; plus strand). Cytogenetic location: 15q14.
Variant type: single nucleotide variant.
Coding change: c.7621C>G on transcript NM_001036.6 (MANE Select); coding-DNA position 7621, C replaced by G.
Protein change: p.Leu2541Val; replaces leucine 2541 with valine.
Molecular consequence: missense variant.
Genome position (GRCh38, 1-based): chr15:33,738,555, C>G. VCF-style: chr15-33738555-C-G. GRCh37 (hg19) VCF-style: chr15-34030756-C-G.
Other names: c.7621C>G, p.Leu2541Val (NM_001243996.4); short protein forms L2541V.
Identifiers: ClinVar variation 960934 (VCV000960934.9), dbSNP rs760687309, ClinGen allele CA391580413.
Genomic context (GRCh38, chr15:33,738,555, plus strand): 5'-CCTTCAGGATGGGGGAGCTACGGGCTAGCTGTGGAAGAAGAGCTGCACCTAACGGAGAAG[C>G]TTTTCTGGGGGATTTTTGACTCGCTCTCCCATAAGGTAATGACAGTACTTTCTGAACAAA-3'
Protein context (NP_001027.3, residues 2531-2551): VEEELHLTEK[Leu2541Val]FWGIFDSLSH